The following is an entry in ClinVar:

NM_000135.4(FANCA):c.1204G>T (p.Glu402Ter)

Gene: FANCA (FA complementation group A; minus strand). Cytogenetic location: 16q24.3.
Variant type: single nucleotide variant.
Coding change: c.1204G>T on transcript NM_000135.4 (MANE Select); coding-DNA position 1204, G replaced by T.
Protein change: p.Glu402Ter; replaces glutamic acid 402 with a stop codon.
Molecular consequence: nonsense.
Genome position (GRCh38, 1-based): chr16:89,791,948, C>A on the plus strand (G>T on the coding strand, the complement: FANCA is on the minus strand). VCF-style: chr16-89791948-C-A. GRCh37 (hg19) VCF-style: chr16-89858356-C-A.
Other names: c.1204G>T, p.Glu402Ter (NM_001286167.3); short protein forms E402*.
Identifiers: ClinVar variation 3032489 (VCV003032489.2), dbSNP rs1437697372, ClinGen allele CA397466022.
Genomic context (GRCh38, chr16:89,791,948, plus strand): 5'-ACTCTTGACCAGCACCACCGGGCTCGCGTAAAAGCTCACCTTCAAGCAGCTGCTGCGCTT[C>A]TGGAAAGCAGACAACCAGGGCAGACACAAAGGAGAGCACTCTCTGCCAGTGAACCTCCTG-3'

ClinVar aggregate classification (germline): Likely pathogenic (0 of 4 stars; one submission).

Conditions:
FANCA-related disorder. Also called: FANCA-related condition.

Allele frequency attached by ClinVar (database versions not stated): gnomAD exomes below 0.00001; TOPMed below 0.00001.
gnomAD v4.1: 1 of 1,614,186 alleles (0.000062%); highest among the groups gnomAD compares: African/African-American, 0.0013%; no homozygotes.

Submission:

PreventionGenetics, part of Exact Sciences
Classification: Likely pathogenic for FANCA-related condition. Last evaluated: 2023-12-20. Review status: no assertion criteria provided. Collection method: clinical testing. Allele origin: germline.
Comment: The FANCA c.1204G>T variant is predicted to result in premature protein termination (p.Glu402*). To our knowledge, this variant has not been reported in the literature. This variant is reported in 0.0062% of alleles in individuals of African descent in gnomAD. Nonsense variants in FANCA are expected to be pathogenic. This variant is interpreted as likely pathogenic.